The following is an entry in ClinVar:

NM_001042750.2(STAG2):c.2575C>T (p.His859Tyr)

Gene: STAG2 (STAG2 cohesin complex component; plus strand). Cytogenetic location: Xq25.
Variant type: single nucleotide variant.
Coding change: c.2575C>T on transcript NM_001042750.2 (MANE Select); coding-DNA position 2575, C replaced by T.
Protein change: p.His859Tyr; replaces histidine 859 with tyrosine.
Molecular consequence: missense variant.
Genome position (GRCh38, 1-based): chrX:124,076,373, C>T. VCF-style: chrX-124076373-C-T. GRCh37 (hg19) VCF-style: chrX-123210223-C-T.
Other names: c.2575C>T, p.His859Tyr (NM_001042749.2, NM_001042751.2, NM_001282418.2 and 13 more transcripts); short protein forms H859Y.
Identifiers: ClinVar variation 3343910 (VCV003343910.1).
Genomic context (GRCh38, chrX:124,076,373, plus strand): 5'-TTTGGGACTTTTTCTCCAGATGGTCAGCAAGAGGATGAAGCCAGTAAAATTGAAGCTCTG[C>T]ACAAGAGAAGAAATTTACTTGCAGCATTTTGTAAGCTAATTGTATATACTGTGGTGGAGA-3'
Protein context (NP_001036215.1, residues 849-869): EDEASKIEAL[His859Tyr]KRRNLLAAFC

ClinVar aggregate classification (germline): Uncertain significance (1 of 4 stars; one submission).

Submission:

GeneDx
Classification: Uncertain significance. Last evaluated: 2024-01-29. Review status: criteria provided, single submitter. Criteria: GeneDx Variant Classification Process June 2021. Collection method: clinical testing. Allele origin: germline. Affected: yes.
Comment: Not observed at significant frequency in large population cohorts (gnomAD); In silico analysis supports that this missense variant has a deleterious effect on protein structure/function; Has not been previously published as pathogenic or benign to our knowledge